The following is an entry in ClinVar:

ClinVar aggregate classification (germline): Conflicting classifications of pathogenicity. Review status: criteria provided, conflicting classifications (1 of 4 stars). 3 submissions from 3 submitters: Likely pathogenic (1); Uncertain significance (2). Last evaluated 2025-09-10.

Conditions:
Heterotopia, periventricular, X-linked dominant (PVNH1). Also called: PERIVENTRICULAR NODULAR HETEROTOPIA 4; HETEROTOPIA, PERIVENTRICULAR, 1; PERIVENTRICULAR NODULAR HETEROTOPIA 1; X-linked periventricular heterotopia. Identifiers: Orphanet 2149, Orphanet 82004, MedGen C1848213, MONDO:0010233, OMIM 300049.
Melnick-Needles syndrome (MNS). Also called: Melnick-Needles Syndrome (FLNA-MNS); MELNICK-NEEDLES OSTEODYSPLASTY; OSTEODYSPLASTY OF MELNICK AND NEEDLES. Identifiers: Orphanet 2484, MedGen C0025237, MONDO:0010650, OMIM 309350.
Frontometaphyseal dysplasia (FMD1). Identifiers: Orphanet 1826, MedGen C0265293, MONDO:0015942.
Oto-palato-digital syndrome, type II (OPD2). Also called: Otopalatodigital Syndrome Type 2 (FLNA-OPD2); Otopalatodigital Syndrome, Type II; FACIOPALATOOSSEOUS SYNDROME; OPD II SYNDROME. Identifiers: Orphanet 669, Orphanet 90652, MedGen C1844696, MONDO:0010571, OMIM 304120.

Allele frequency attached by ClinVar (database versions not stated): gnomAD exomes below 0.00001.
gnomAD v4.1: 3 of 1,210,622 alleles (0.00025%); highest among the groups gnomAD compares: Non-Finnish European, 0.00034%; no homozygotes.

Submissions (3):

Genomic Medicine Center of Excellence, King Faisal Specialist Hospital and Research Centre
Classification: Likely pathogenic for Heterotopia, periventricular, X-linked dominant. Last evaluated: 2025-09-10. Review status: criteria provided, single submitter. Criteria: ACMG Guidelines, 2015. Collection method: clinical testing. Allele origin: germline.

Labcorp Genetics (formerly Invitae), Labcorp
Classification: Uncertain significance for Oto-palato-digital syndrome, type II; Heterotopia, periventricular, X-linked dominant; Frontometaphyseal dysplasia; Melnick-Needles syndrome. Last evaluated: 2023-09-27. Review status: criteria provided, single submitter. Criteria: Invitae Variant Classification Sherloc (09022015). Collection method: clinical testing. Allele origin: germline.
Comment: This sequence change falls in intron 23 of the FLNA gene. It does not directly change the encoded amino acid sequence of the FLNA protein. It affects a nucleotide within the consensus splice site. This variant is not present in population databases (gnomAD no frequency). This variant has not been reported in the literature in individuals affected with FLNA-related conditions. ClinVar contains an entry for this variant (Variation ID: 572412). Variants that disrupt the consensus splice site are a relatively common cause of aberrant splicing (PMID: 17576681, 9536098). Algorithms developed to predict the effect of sequence changes on RNA splicing suggest that this variant may create or strengthen a splice site. In summary, the available evidence is currently insufficient to determine the role of this variant in disease. Therefore, it has been classified as a Variant of Uncertain Significance.

GeneDx
Classification: Uncertain significance. Last evaluated: 2022-04-13. Review status: criteria provided, single submitter. Criteria: GeneDx Variant Classification Process June 2021. Collection method: clinical testing. Allele origin: germline. Affected: yes.
Comment: Not observed at significant frequency in large population cohorts (gnomAD); In silico analysis supports a deleterious effect on splicing; Has not been previously published as pathogenic or benign to our knowledge

Literature cited by the submitters: PubMed 17576681 (cited by Labcorp Genetics (formerly Invitae), Labcorp); PubMed 9536098 (cited by Labcorp Genetics (formerly Invitae), Labcorp).

NM_001110556.2(FLNA):c.3979+5G>A

Gene: FLNA (filamin A; minus strand). Cytogenetic location: Xq28.
Variant type: single nucleotide variant.
Coding change: c.3979+5G>A on transcript NM_001110556.2 (MANE Select); 5 bases into the intron after coding-DNA position 3979, G replaced by A.
Molecular consequence: intron variant.
Genome position (GRCh38, 1-based): chrX:154,359,727, C>T on the plus strand (G>A on the coding strand, the complement: FLNA is on the minus strand). VCF-style: chrX-154359727-C-T. GRCh37 (hg19) VCF-style: chrX-153588095-C-T.
Other names: c.3979+5G>A (NM_001456.4).
Identifiers: ClinVar variation 572412 (VCV000572412.12), dbSNP rs1569551642, ClinGen allele CA891844349.